The following is an entry in ClinVar:

ClinVar aggregate classification (germline): Benign/Likely benign. Review status: criteria provided, multiple submitters, no conflicts (2 of 4 stars). 7 submissions from 5 submitters: Benign (1); Likely benign (4). 2 of the submissions do not count toward it. Last evaluated 2026-02-02.

Conditions:
Amyotrophic lateral sclerosis type 5 (ALS5). Also called: AMYOTROPHIC LATERAL SCLEROSIS 5, JUVENILE. Identifiers: Orphanet 300605, MedGen C1865864, MONDO:0011196, OMIM 602099.
Charcot-Marie-Tooth disease axonal type 2X. Also called: CHARCOT-MARIE-TOOTH DISEASE, AXONAL, AUTOSOMAL RECESSIVE, TYPE 2X; CHARCOT-MARIE-TOOTH NEUROPATHY, TYPE 2X. Identifiers: Orphanet 466775, MedGen C5569024, MONDO:0014726, OMIM 616668.
Hereditary spastic paraplegia 11. Also called: Spastic paraplegia, mental retardation and thin corpus callosum; SPASTIC PARAPLEGIA, AUTOSOMAL RECESSIVE, COMPLICATED, WITH THIN CORPUS CALLOSUM; SPASTIC PARAPLEGIA, AUTOSOMAL RECESSIVE, WITH MENTAL IMPAIRMENT AND THIN CORPUS CALLOSUM; Nakamura Osame syndrome; Autosomal recessive hereditary spastic paraplegia, mental impairment, and thin corpus callosum; Spastic Paraplegia 11. Identifiers: Orphanet 2822, MedGen C1858479, MONDO:0011445, OMIM 604360.

Allele frequency attached by ClinVar (database versions not stated): gnomAD exomes 0.00075 and 0.00192; ExAC 0.00283; ESP Exome Variant Server 0.00354; gnomAD 0.00637 and 0.00667; TOPMed 0.00665; 1000 Genomes Project 0.01158; 1000 Genomes Project 30x 0.01218.
gnomAD v4.1: 2,094 of 1,566,190 alleles (0.13%); highest among the groups gnomAD compares: African/African-American, 2%; 13 homozygotes.

Submissions (9):

Labcorp Genetics (formerly Invitae), Labcorp
Classification: Benign for Hereditary spastic paraplegia 11. Last evaluated: 2026-02-02. Review status: criteria provided, single submitter. Criteria: Invitae Variant Classification Sherloc (09022015). Collection method: clinical testing. Allele origin: germline.

Illumina Laboratory Services, Illumina
Classification: Likely benign for Hereditary spastic paraplegia 11. Last evaluated: 2018-01-12. Review status: criteria provided, single submitter. Criteria: ICSL Variant Classification Criteria 13 December 2019. Collection method: clinical testing. Allele origin: germline.
Comment: This variant was observed in the ICSL laboratory as part of a predisposition screen in an ostensibly healthy population. It had not been previously curated by ICSL or reported in the Human Gene Mutation Database (HGMD: prior to June 1st, 2018), and was therefore a candidate for classification through an automated scoring system. Utilizing variant allele frequency, disease prevalence and penetrance estimates, and inheritance mode, an automated score was calculated to assess if this variant is too frequent to cause the disease. Based on the score and internal cut-off values, a variant classified as likely benign is not then subjected to further curation. The score for this variant resulted in a classification of likely benign for this disease.

Genome-Nilou Lab
Classification: Likely benign for Amyotrophic lateral sclerosis type 5. Review status: criteria provided, single submitter. Criteria: ACMG Guidelines, 2015. Collection method: clinical testing. Allele origin: germline.

Genome-Nilou Lab
Classification: Likely benign for Charcot-Marie-Tooth disease axonal type 2X. Review status: criteria provided, single submitter. Criteria: ACMG Guidelines, 2015. Collection method: clinical testing. Allele origin: germline.

Genome-Nilou Lab
Classification: Likely benign for Hereditary spastic paraplegia 11. Review status: criteria provided, single submitter. Criteria: ACMG Guidelines, 2015. Collection method: clinical testing. Allele origin: germline.

Clinical Genetics, Academic Medical Center
Classification: Benign. Review status: no assertion criteria provided. Collection method: clinical testing. Allele origin: germline. Affected: yes. Study: VKGL Data-share Consensus. Not counted in ClinVar's aggregate classification.

Dr. Peter K. Rogan Lab, Western University
No classification provided (evidence only). Condition: Acute myeloid leukemia. Review status: no classification provided. Collection method: in vitro. Allele origin: not applicable. Functional consequence: skipped exon, retained intron. Not counted in ClinVar's aggregate classification.

Dr. Peter K. Rogan Lab, Western University
No classification provided (evidence only). Condition: Uterine corpus endometrial carcinoma. Review status: no classification provided. Collection method: in vitro. Allele origin: not applicable. Functional consequence: skipped exon. Not counted in ClinVar's aggregate classification.

Genome Diagnostics Laboratory, Amsterdam University Medical Center
Classification: Benign. Review status: no assertion criteria provided. Collection method: clinical testing. Allele origin: germline. Affected: yes. Study: VKGL Data-share Consensus. Not counted in ClinVar's aggregate classification.

NM_025137.4(SPG11):c.2621-15T>G

Gene: SPG11 (SPG11 vesicle trafficking associated, spatacsin; minus strand). Cytogenetic location: 15q21.1.
Variant type: single nucleotide variant.
Coding change: c.2621-15T>G on transcript NM_025137.4 (MANE Select); 15 bases into the intron before coding-DNA position 2621, T replaced by G.
Molecular consequence: intron variant.
Genome position (GRCh38, 1-based): chr15:44,620,418, A>C on the plus strand (T>G on the coding strand, the complement: SPG11 is on the minus strand). VCF-style: chr15-44620418-A-C. GRCh37 (hg19) VCF-style: chr15-44912616-A-C.
Other names: c.2621-15T>G (NM_001160227.2).
Identifiers: ClinVar variation 316099 (VCV000316099.17), dbSNP rs188590034, ClinGen allele CA7535177.